The following is an entry in ClinVar:

ClinVar aggregate classification (germline): Conflicting classifications of pathogenicity. Review status: criteria provided, conflicting classifications (1 of 4 stars). 22 submissions from 22 submitters: Uncertain significance (19); Likely benign (1). 2 of the submissions do not count toward it. Last evaluated 2025-10-08.

Conditions:
ATM-related disorder. Also called: ATM-related disorders; ATM-related condition.
Hereditary cancer-predisposing syndrome. Also called: Tumor predisposition; Neoplastic Syndromes, Hereditary; Hereditary neoplastic syndrome; Hereditary Cancer Syndrome. Identifiers: Orphanet 140162, MedGen C0027672, MeSH D009386, MONDO:0015356.
Hereditary breast ovarian cancer syndrome. Also called: Hereditary breast and ovarian cancer syndrome; Hereditary breast and ovarian cancer; Hereditary breast and ovarian cancer syndrome (HBOC); Hereditary breast and/or ovarian cancer syndrome; BRCA1- and BRCA2-Associated Hereditary Breast and Ovarian Cancer; Breast and ovarian cancer. Identifiers: Orphanet 145, MedGen C0677776, MeSH D061325, MONDO:0003582. Disease mechanism: loss of function.
Ataxia-telangiectasia syndrome (AT). Also called: Ataxia-telangiectasia, complementation group D; AT, COMPLEMENTATION GROUP C; Cerebello-oculocutaneous telangiectasia; Immunodeficiency with ataxia telangiectasia; ATAXIA-TELANGIECTASIA, COMPLEMENTATION GROUP A; ATAXIA-TELANGIECTASIA, FRESNO VARIANT. Identifiers: Orphanet 100, MedGen C0004135, MONDO:0008840, OMIM 208900.
Familial cancer of breast. Also called: BREAST CANCER, FAMILIAL; Hereditary breast cancer; hereditary breast carcinoma. Identifiers: Orphanet 227535, MedGen C0346153, MONDO:0016419, OMIM 114480. Disease mechanism: loss of function.

Allele frequency attached by ClinVar (database versions not stated): ExAC 0.00005; gnomAD 0.00006 and 0.00007; ESP Exome Variant Server 0.00015; gnomAD exomes 0.00004; TOPMed 0.00004.

Submissions 1 to 7 of 22:

Women's Health and Genetics/Laboratory Corporation of America, LabCorp
Classification: Uncertain significance. Last evaluated: 2025-10-08. Review status: criteria provided, single submitter. Criteria: LabCorp Variant Classification Summary - May 2015. Collection method: clinical testing. Allele origin: germline.
Comment: Variant summary: ATM c.2149C>T (p.Arg717Trp) results in a non-conservative amino acid change in the encoded protein sequence. Algorithms developed to predict the effect of missense changes on protein structure and function all suggest that this variant is likely to be disruptive. The variant allele was found at a frequency of 4e-05 in 250562 control chromosomes. This frequency is not significantly higher than estimated for disease-causing variants in ATM, allowing no conclusion about variant significance. c.2149C>T has been observed in individual(s) affected with personal and/or family history of breast and/or ovarian cancer, and other tumor phenotypes (Fang_2013, Petereit_2013, Girard_2019, Tsaousis_2019, Dorling_2021, Prokofyeva_2023). However, this variant was also reported in several healthy controls (Momozawa_2018, Dorling_2021). These report(s) do not provide unequivocal conclusions about association of the variant with Ataxia-telangiectasia syndrome. Co-occurrences with other pathogenic variant(s) have been reported (BRCA1 c.3700_3704delGTAAA, p.Val1234GlnfsX8), providing supporting evidence for a benign role. To our knowledge, no experimental evidence demonstrating an impact on protein function has been reported. ClinVar contains an entry for this variant (Variation ID: 140879). Based on the evidence outlined above, the variant was classified as uncertain significance.

GeneDx
Classification: Uncertain significance. Last evaluated: 2025-08-05. Review status: criteria provided, single submitter. Criteria: GeneDx Variant Classification Process June 2021. Collection method: clinical testing. Allele origin: germline. Affected: yes.
Comment: Observed in individuals with breast cancer, ovarian cancer, or leukemia and also in unaffected controls (PMID: 26689913, 25186627, 28652578, 30303537, 37013556, 32885271, 36200007); Not observed at significant frequency in large population cohorts (gnomAD); In silico analysis supports that this missense variant has a deleterious effect on protein structure/function; This variant is associated with the following publications: (PMID: 30303537, 24416720, 26689913, 27994516, 12697903, 30287823, 28652578, 25186627, 31159747, 32566746, 31942411, 32980694, 36200007, 33471991, 36243179, 32885271, 31214711, 37013556, 36029002, 35451682)

St. Jude Molecular Pathology, St. Jude Children's Research Hospital
Classification: Uncertain significance for Ataxia-telangiectasia syndrome. Last evaluated: 2025-06-17. Review status: criteria provided, single submitter. Criteria: St. Jude Assertion Criteria 2020. Collection method: clinical testing. Allele origin: germline.
Comment: The ATM c.2149C>T p.(Arg717Trp) missense change has a maximum subpopulation frequency of 0.008% in gnomAD v2.1.1. The in silico tool REVEL is inconclusive about a pathogenic or benign effect of this variant on protein function, and to our knowledge functional studies have not been performed. This variant has been reported in individuals with breast cancer as well as control individuals (PMID: 25186627, 30287823, 32885271). To our knowledge, this variant has not been reported in individuals with ataxia telangiectasia. In summary, the evidence currently available is insufficient to determine the clinical significance of this variant. It has therefore been classified as of uncertain significance.

Quest Diagnostics Nichols Institute San Juan Capistrano
Classification: Uncertain significance. Last evaluated: 2025-05-08. Review status: criteria provided, single submitter. Criteria: Quest Diagnostics criteria. Collection method: clinical testing. Allele origin: unknown.

Color Diagnostics, LLC DBA Color Health
Classification: Uncertain significance for Hereditary cancer-predisposing syndrome. Last evaluated: 2025-03-31. Review status: criteria provided, single submitter. Criteria: ACMG Guidelines, 2015. Collection method: clinical testing. Allele origin: germline.
Comment: This missense variant replaces arginine with tryptophan at codon 717 of the ATM protein. Computational prediction is inconclusive regarding the impact of this variant on protein structure and function. To our knowledge, functional studies have not been reported for this variant. This variant has been observed in individuals affected with breast cancer and unaffected control individuals (PMID: 25186627, 30287823, 30303537, 31159747, 32980694, 32885271, 33471991, 36200007) and in an individual with pancreatic cancer (PMID: 27994516). In a breast cancer case-control study conducted in Japan, this variant was reported in 3/11241 female and 1/12490 male controls, and absent in 7051 female and 53 male breast cancer cases (PMID: 30287823). In a large international case-control study, this variant was reported in 3/60463 breast cancer cases and 6/53455 controls (OR=0.442, 95%CI 0.111 to 1.768, p-value=0.321; PMID: 33471991). This variant has been identified in 11/281892 chromosomes in the general population by the Genome Aggregation Database (gnomAD). The available evidence is insufficient to determine the role of this variant in disease conclusively. Therefore, this variant is classified as a Variant of Uncertain Significance.

Ambry Genetics
Classification: Uncertain significance for Hereditary cancer-predisposing syndrome. Last evaluated: 2025-01-15. Review status: criteria provided, single submitter. Criteria: Ambry Variant Classification Scheme 2023. Collection method: clinical testing. Allele origin: germline.
Comment: The p.R717W variant (also known as c.2149C>T), located in coding exon 13 of the ATM gene, results from a C to T substitution at nucleotide position 2149. The arginine at codon 717 is replaced by tryptophan, an amino acid with dissimilar properties. In one study, this variant was reported in 3/60,466 breast cancer cases and in 6/53,461 controls (Dorling et al. N Engl J Med. 2021 02;384:428-439). In studies of Japanese breast, prostate and pancreatic cancer cohorts, this alteration was not observed in patients affected with cancer but seen in multiple unaffected controls of Japanese ancestry (Momozawa Y et al. Nat Commun, 2018 Oct;9:4083; Momozawa Y et al. J Natl Cancer Inst, 2020 Apr;112:369-376; Mizukami K et al. EBioMedicine, 2020 Oct;60:103033). This amino acid position is well conserved in available vertebrate species. In addition, the in silico prediction for this alteration is inconclusive. Based on the available evidence, the clinical significance of this variant remains unclear.

PreventionGenetics, part of Exact Sciences
Classification: Uncertain significance for ATM-related condition. Last evaluated: 2024-11-11. Review status: criteria provided, single submitter. Criteria: ACMG Guidelines, 2015. Collection method: clinical testing. Allele origin: germline.
Comment: The ATM c.2149C>T variant is predicted to result in the amino acid substitution p.Arg717Trp. This variant has been reported in several individuals with breast cancer (Tung et al. 2015. PubMed ID: 25186627; Girard et al. 2019. PubMed ID: 30303537; Lerner-Ellis et al. 2021. PubMed ID: 32885271; Mittal et al. 2022. PubMed ID: 36200007) and in one individual with hereditary polyposis (Staninova-Stojovska et al. 2019. PubMed ID: 31942411). However, it has also been reported in an individual with chronic lymphocytic leukemia (CLL) who was also heterozygous for a splice-altering ATM variant (Petrackova et al. 2022. PubMed ID: 36029002) and in another individual with ovarian cancer who was also heterozygous for a BRCA1 frameshift (Prokofyeva et al. 2023. PubMed ID: 37013556). Additionally, the p.Arg717Trp variant has been observed at similar frequencies in patients and controls in a large breast cancer association study (Breast Cancer Association Consortium et al. 2021. PubMed ID: 33471991). This variant is reported in 0.0080% of alleles in individuals of African descent in gnomAD and is interpreted as uncertain in ClinVar. At this time, the clinical significance of this variant is uncertain due to the absence of conclusive functional and genetic evidence.

NM_000051.4(ATM):c.2149C>T (p.Arg717Trp)

Gene: ATM (ATM serine/threonine kinase; plus strand). Cytogenetic location: 11q22.3.
Variant type: single nucleotide variant.
Coding change: c.2149C>T on transcript NM_000051.4 (MANE Select); coding-DNA position 2149, C replaced by T.
Protein change: p.Arg717Trp; replaces arginine 717 with tryptophan.
Molecular consequence: missense variant.
Genome position (GRCh38, 1-based): chr11:108,256,239, C>T. VCF-style: chr11-108256239-C-T. GRCh37 (hg19) VCF-style: chr11-108126966-C-T.
Other names: p.Arg717Trp; c.2149C>T, p.Arg717Trp (NM_001351834.2); short protein forms R717W.
Identifiers: ClinVar variation 140879 (VCV000140879.48), dbSNP rs147515380, ClinGen allele CA163812.
Genomic context (GRCh38, chr11:108,256,239, plus strand): 5'-GAAATATATATATTTTTATTTGTGGTTTACTTTAAGATTACAAATTCAGAAACTCTTGTC[C>T]GGTGTTCACGTCTTTTGGTGGGTGTCCTTGGCTGCTACTGTTACATGGGTGTAATAGCTG-3'
Protein context (NP_000042.3, residues 707-727): SEITNSETLV[Arg717Trp]CSRLLVGVLG